The following is an entry in ClinVar:

NM_182972.3(IRF2BP2):c.893G>A (p.Trp298Ter)

Gene: IRF2BP2 (interferon regulatory factor 2 binding protein 2; minus strand). Cytogenetic location: 1q42.3.
Variant type: single nucleotide variant.
Coding change: c.893G>A on transcript NM_182972.3 (MANE Select); coding-DNA position 893, G replaced by A.
Protein change: p.Trp298Ter; replaces tryptophan 298 with a stop codon.
Molecular consequence: nonsense.
Genome position (GRCh38, 1-based): chr1:234,608,602, C>T on the plus strand (G>A on the coding strand, the complement: IRF2BP2 is on the minus strand). VCF-style: chr1-234608602-C-T. GRCh37 (hg19) VCF-style: chr1-234744348-C-T.
Other names: c.893G>A, p.Trp298Ter (NM_001077397.1); short protein forms W298*.
Identifiers: ClinVar variation 4880178 (VCV004880178.1).
Genomic context (GRCh38, chr1:234,608,602, plus strand): 5'-GAGTGGCCGTGCTGGTGCAGCGCCAGCAGCGTGTCGCGCACGGTCTTGGGCCTGTTGACC[C>T]AGTCCTGCTCTCCAGACCCGCGGCTCTTGCCCGCACCTTCCGCGCTCAGCTCGGCGGCCC-3'

ClinVar aggregate classification (germline): Pathogenic (1 of 4 stars; one submission).

Conditions:
Immunodeficiency, common variable, 14. Identifiers: Orphanet 696904, MedGen C4540380, MONDO:0054691, OMIM 617765.

Submission:

Department of Pediatrics, Peking Union Medical College Hospital, Chinese Academy of Medical Sciences & Peking Union Medical College
Classification: Pathogenic for Immunodeficiency, common variable, 14. Last evaluated: 2026-07-01. Review status: criteria provided, single submitter. Criteria: ACMG Guidelines, 2015. Collection method: clinical testing. Allele origin: de novo. Inheritance: Autosomal dominant inheritance. Affected: yes. Observed: 1 variant allele, 1 heterozygote.
Comment: The NM_182972.2, c.893G>A, is a nonsense variant in IRF2BP2 which is predicted to result in a premature stop codon at position 298, and likely results in an absent or disrupted protein product (PVS1). This variant has extremely low frequency in gnomAD population databases (0.0%; PM2_sup). In summary, this variant meets criteria to be classified as pathogenic for IRF2BP2 deficiency based on the ACMG/AMP criteria applied,: PVS1, PS2 and PM2_Sup.

Literature cited by the submitters: DOI 10.3390/ph14080797.